The following is an entry in ClinVar:

ClinVar aggregate classification (germline): Uncertain significance (1 of 4 stars; one submission).

gnomAD v4.1: 20 of 1,614,164 alleles (0.0012%); highest among the groups gnomAD compares: Non-Finnish European, 0.0017%; no homozygotes.

Submission:

GeneDx
Classification: Uncertain significance. Last evaluated: 2024-05-07. Review status: criteria provided, single submitter. Criteria: GeneDx Variant Classification Process June 2021. Collection method: clinical testing. Allele origin: germline. Affected: yes.
Comment: Not observed at significant frequency in large population cohorts (gnomAD); In silico analysis indicates that this missense variant does not alter protein structure/function; Has not been previously published as pathogenic or benign to our knowledge

NM_153240.5(NPHP3):c.1162G>C (p.Glu388Gln)

Genes: NPHP3 (nephrocystin 3; minus strand), NPHP3-ACAD11 (NPHP3-ACAD11 readthrough (NMD candidate); minus strand). Cytogenetic location: 3q22.1.
Variant type: single nucleotide variant.
Coding change: c.1162G>C on transcript NM_153240.5 (MANE Select); coding-DNA position 1162, G replaced by C.
Protein change: p.Glu388Gln; replaces glutamic acid 388 with glutamine.
Molecular consequence: missense variant. On other transcripts: non-coding transcript variant (1).
Genome position (GRCh38, 1-based): chr3:132,708,214, C>G on the plus strand (G>C on the coding strand, the complement: NPHP3 is on the minus strand). VCF-style: chr3-132708214-C-G. GRCh37 (hg19) VCF-style: chr3-132427058-C-G.
Other names: short protein forms E388Q.
Identifiers: ClinVar variation 3375875 (VCV003375875.1).